The following is an entry in ClinVar:

ClinVar aggregate classification (germline): Uncertain significance (1 of 4 stars; one submission).

Conditions:
Primary familial hypertrophic cardiomyopathy (HCM). Identifiers: Orphanet 99739, MedGen C0949658, MeSH D024741, MONDO:0024573. Inheritance: Various modes of inheritance.

Submission:

Labcorp Genetics (formerly Invitae), Labcorp
Classification: Uncertain significance for Primary familial hypertrophic cardiomyopathy. Last evaluated: 2022-08-22. Review status: criteria provided, single submitter. Criteria: Invitae Variant Classification Sherloc (09022015). Collection method: clinical testing. Allele origin: germline.
Comment: In summary, the available evidence is currently insufficient to determine the role of this variant in disease. Therefore, it has been classified as a Variant of Uncertain Significance. Algorithms developed to predict the effect of missense changes on protein structure and function are either unavailable or do not agree on the potential impact of this missense change (SIFT: "Deleterious"; PolyPhen-2: "Probably Damaging"; Align-GVGD: "Class C0"). ClinVar contains an entry for this variant (Variation ID: 834388). This variant has not been reported in the literature in individuals affected with ILK-related conditions. This variant is not present in population databases (gnomAD no frequency). This sequence change replaces isoleucine, which is neutral and non-polar, with asparagine, which is neutral and polar, at codon 413 of the ILK protein (p.Ile413Asn).

NM_004517.4(ILK):c.1238T>A (p.Ile413Asn)

Genes: TAF10 (TATA-box binding protein associated factor 10; minus strand), ILK (integrin linked kinase; plus strand). Cytogenetic location: 11p15.4.
Variant type: single nucleotide variant.
Coding change: c.1238T>A on transcript NM_004517.4 (MANE Select); coding-DNA position 1238, T replaced by A.
Protein change: p.Ile413Asn; replaces isoleucine 413 with asparagine.
Molecular consequence: missense variant. On other transcripts: 3 prime UTR variant (1).
Genome position (GRCh38, 1-based): chr11:6,610,490, T>A. VCF-style: chr11-6610490-T-A. GRCh37 (hg19) VCF-style: chr11-6631721-T-A.
Other names: c.1238T>A, p.Ile413Asn (NM_001014794.3, NM_001014795.3); c.1055T>A, p.Ile352Asn (NM_001278441.2); c.836T>A, p.Ile279Asn (NM_001278442.2); c.*432A>T (NM_006284.4); short protein forms I279N, I413N, I352N.
Identifiers: ClinVar variation 834388 (VCV000834388.10), dbSNP rs1855399834, ClinGen allele CA379467931.